The following is an entry in ClinVar:

ClinVar aggregate classification (germline): Uncertain significance (1 of 4 stars; one submission).

Conditions:
Charcot-Marie-Tooth disease axonal type 2P. Also called: CHARCOT-MARIE-TOOTH NEUROPATHY, TYPE 2P; Charcot-Marie-Tooth Neuropathy Type 2G; CHARCOT-MARIE-TOOTH DISEASE, AXONAL, TYPE 2G; CMT 2G. Identifiers: Orphanet 300319, Orphanet 99941, MedGen C3280797, MONDO:0013753, OMIM 614436.

Submission:

Labcorp Genetics (formerly Invitae), Labcorp
Classification: Uncertain significance for Charcot-Marie-Tooth disease axonal type 2P. Last evaluated: 2021-02-21. Review status: criteria provided, single submitter. Criteria: Invitae Variant Classification Sherloc (09022015). Collection method: clinical testing. Allele origin: germline.
Comment: Algorithms developed to predict the effect of missense changes on protein structure and function are either unavailable or do not agree on the potential impact of this missense change (SIFT: "Deleterious"; PolyPhen-2: "Benign"; Align-GVGD: "Class C45"). This sequence change replaces asparagine with serine at codon 114 of the LRSAM1 protein (p.Asn114Ser). The asparagine residue is highly conserved and there is a small physicochemical difference between asparagine and serine. This variant is not present in population databases (ExAC no frequency). This variant has not been reported in the literature in individuals with LRSAM1-related conditions. In summary, the available evidence is currently insufficient to determine the role of this variant in disease. Therefore, it has been classified as a Variant of Uncertain Significance.

NM_001005373.4(LRSAM1):c.341A>G (p.Asn114Ser)

Gene: LRSAM1 (leucine rich repeat and sterile alpha motif containing 1; plus strand). Cytogenetic location: 9q33.3.
Variant type: single nucleotide variant.
Coding change: c.341A>G on transcript NM_001005373.4 (MANE Select); coding-DNA position 341, A replaced by G.
Protein change: p.Asn114Ser; replaces asparagine 114 with serine.
Molecular consequence: missense variant. On other transcripts: 5 prime UTR variant (1), non-coding transcript variant (2).
Genome position (GRCh38, 1-based): chr9:127,461,192, A>G. VCF-style: chr9-127461192-A-G. GRCh37 (hg19) VCF-style: chr9-130223471-A-G.
Other names: c.341A>G, p.Asn114Ser (NM_001005374.4, NM_001190723.3, NM_001384142.1 and 2 more transcripts); c.-444A>G (NM_001384144.1); short protein forms N114S.
Identifiers: ClinVar variation 1431144 (VCV001431144.8), dbSNP rs2132010693, ClinGen allele CA374967755.